The following is an entry in ClinVar:

ClinVar aggregate classification (germline): Uncertain significance. Review status: criteria provided, multiple submitters, no conflicts (2 of 4 stars). 2 submissions from 2 submitters: Uncertain significance (2). Last evaluated 2026-01-09.

Conditions:
Hereditary cancer-predisposing syndrome. Also called: Tumor predisposition; Hereditary Cancer Syndrome; Neoplastic Syndromes, Hereditary; Hereditary neoplastic syndrome. Identifiers: Orphanet 140162, MedGen C0027672, MeSH D009386, MONDO:0015356.

Allele frequency attached by ClinVar (database versions not stated): gnomAD 0.00001.
gnomAD v4.1: 7 of 1,613,694 alleles (0.00043%); highest among the groups gnomAD compares: Non-Finnish European, 0.00059%; no homozygotes.

Submissions (2):

Ambry Genetics
Classification: Uncertain significance for Hereditary cancer-predisposing syndrome. Last evaluated: 2026-01-09. Review status: criteria provided, single submitter. Criteria: Ambry Variant Classification Scheme 2023. Collection method: clinical testing. Allele origin: germline.
Comment: The c.5379-3C>G intronic variant results from a C to G substitution 3 nucleotides upstream from coding exon 40 in the POLE gene. This nucleotide position is well conserved in available vertebrate species. In silico splice site analysis predicts that this alteration will weaken the native splice acceptor site. Based on the available evidence, the clinical significance of this variant remains unclear.

Labcorp Genetics (formerly Invitae), Labcorp
Classification: Uncertain significance. Last evaluated: 2025-11-26. Review status: criteria provided, single submitter. Criteria: Invitae Variant Classification Sherloc (09022015). Collection method: clinical testing. Allele origin: germline.
Comment: This sequence change falls in intron 39 of the POLE gene. It does not directly change the encoded amino acid sequence of the POLE protein. It affects a nucleotide within the consensus splice site. This variant is present in population databases (no rsID available, gnomAD 0.007%). This variant has not been reported in the literature in individuals affected with POLE-related conditions. ClinVar contains an entry for this variant (Variation ID: 484517). Variants that disrupt the consensus splice site are a relatively common cause of aberrant splicing (PMID: 17576681, 9536098). Algorithms developed to predict the effect of sequence changes on RNA splicing suggest that this variant may disrupt the consensus splice site. In summary, the available evidence is currently insufficient to determine the role of this variant in disease. Therefore, it has been classified as a Variant of Uncertain Significance.

Literature cited by the submitters: PubMed 17576681 (cited by Labcorp Genetics (formerly Invitae), Labcorp); PubMed 9536098 (cited by Labcorp Genetics (formerly Invitae), Labcorp).

NM_006231.4(POLE):c.5379-3C>G

Gene: POLE (DNA polymerase epsilon, catalytic subunit; minus strand). Cytogenetic location: 12q24.33.
Variant type: single nucleotide variant.
Coding change: c.5379-3C>G on transcript NM_006231.4 (MANE Select); 3 bases into the intron before coding-DNA position 5379, C replaced by G.
Molecular consequence: intron variant.
Genome position (GRCh38, 1-based): chr12:132,639,301, G>C on the plus strand (C>G on the coding strand, the complement: POLE is on the minus strand). VCF-style: chr12-132639301-G-C. GRCh37 (hg19) VCF-style: chr12-133215887-G-C.
Identifiers: ClinVar variation 484517 (VCV000484517.17), dbSNP rs1415497701, ClinGen allele CA608514080.